The following is an entry in ClinVar:

ClinVar aggregate classification (germline): Uncertain significance (1 of 4 stars; one submission).

Conditions:
Primary ciliary dyskinesia 30. Also called: CILIARY DYSKINESIA, PRIMARY, 30, WITH OR WITHOUT SITUS INVERSUS. Identifiers: Orphanet 244, MedGen C4015016, MONDO:0014465, OMIM 616037.

Allele frequency attached by ClinVar (database versions not stated): gnomAD exomes below 0.00001 and 0.00001; gnomAD 0.00001; TOPMed 0.00003.
gnomAD v4.1: 21 of 1,613,750 alleles (0.0013%); highest among the groups gnomAD compares: Non-Finnish European, 0.0017%; no homozygotes.

Submission:

Labcorp Genetics (formerly Invitae), Labcorp
Classification: Uncertain significance for Primary ciliary dyskinesia 30. Last evaluated: 2021-08-26. Review status: criteria provided, single submitter. Criteria: Invitae Variant Classification Sherloc (09022015). Collection method: clinical testing. Allele origin: germline.
Comment: This sequence change falls in intron 6 of the CCDC151 gene. It does not directly change the encoded amino acid sequence of the CCDC151 protein. It affects a nucleotide within the consensus splice site of the intron. This variant is not present in population databases (ExAC no frequency). This variant has not been reported in the literature in individuals affected with CCDC151-related conditions. Variants that disrupt the consensus splice site are a relatively common cause of aberrant splicing (PMID: 17576681, 9536098). Algorithms developed to predict the effect of sequence changes on RNA splicing suggest that this variant is not likely to affect RNA splicing. In summary, the available evidence is currently insufficient to determine the role of this variant in disease. Therefore, it has been classified as a Variant of Uncertain Significance.

Literature cited by the submitters: PubMed 17576681; PubMed 9536098.

NM_145045.5(ODAD3):c.840+6A>G

Gene: ODAD3 (outer dynein arm docking complex subunit 3; minus strand). Cytogenetic location: 19p13.2.
Variant type: single nucleotide variant.
Coding change: c.840+6A>G on transcript NM_145045.5 (MANE Select); 6 bases into the intron after coding-DNA position 840, A replaced by G.
Molecular consequence: intron variant.
Genome position (GRCh38, 1-based): chr19:11,426,440, T>C on the plus strand (A>G on the coding strand, the complement: ODAD3 is on the minus strand). VCF-style: chr19-11426440-T-C. GRCh37 (hg19) VCF-style: chr19-11537260-T-C.
Other names: c.678+6A>G (NM_001302453.1); c.660+6A>G (NM_001302454.2).
Identifiers: ClinVar variation 970752 (VCV000970752.7), dbSNP rs899767285, ClinGen allele CA305334780.
Genomic context (GRCh38, chr19:11,426,440, plus strand): 5'-GTCAGATTCTCAAGCTGGGAGACCGCGGCAGCTGGGCAGGATGGCCGAGGGCAAGAGGGG[T>C]GGCACCTTGGCAATGTCCCGGGCATTGAGGGCCTCTTGGTTCACCACGTGCAGTGCCTCC-3'